The following is an entry in ClinVar:

NM_002291.3(LAMB1):c.2617G>A (p.Ala873Thr)

Gene: LAMB1 (laminin subunit beta 1; minus strand). Cytogenetic location: 7q31.1.
Variant type: single nucleotide variant.
Coding change: c.2617G>A on transcript NM_002291.3 (MANE Select); coding-DNA position 2617, G replaced by A.
Protein change: p.Ala873Thr; replaces alanine 873 with threonine.
Molecular consequence: missense variant.
Genome position (GRCh38, 1-based): chr7:107,959,322, C>T on the plus strand (G>A on the coding strand, the complement: LAMB1 is on the minus strand). VCF-style: chr7-107959322-C-T. GRCh37 (hg19) VCF-style: chr7-107599767-C-T.
Other names: short protein forms A873T.
Identifiers: ClinVar variation 2193922 (VCV002193922.4), dbSNP rs766693167, ClinGen allele CA4435581.

ClinVar aggregate classification (germline): Uncertain significance (1 of 4 stars; one submission).

Allele frequency attached by ClinVar (database versions not stated): TOPMed below 0.00001; gnomAD exomes 0.00001; ExAC 0.00002.
gnomAD v4.1: 10 of 1,614,226 alleles (0.00062%); highest among the groups gnomAD compares: Middle Eastern, 0.016%; no homozygotes.

Submission:

Labcorp Genetics (formerly Invitae), Labcorp
Classification: Uncertain significance. Last evaluated: 2022-11-01. Review status: criteria provided, single submitter. Criteria: Invitae Variant Classification Sherloc (09022015). Collection method: clinical testing. Allele origin: germline.
Comment: In summary, the available evidence is currently insufficient to determine the role of this variant in disease. Therefore, it has been classified as a Variant of Uncertain Significance. This sequence change replaces alanine, which is neutral and non-polar, with threonine, which is neutral and polar, at codon 873 of the LAMB1 protein (p.Ala873Thr). This variant is present in population databases (rs766693167, gnomAD 0.006%). This variant has not been reported in the literature in individuals affected with LAMB1-related conditions. Algorithms developed to predict the effect of missense changes on protein structure and function are either unavailable or do not agree on the potential impact of this missense change (SIFT: "Deleterious"; PolyPhen-2: "Benign"; Align-GVGD: "Class C55").